The following is an entry in ClinVar:

NM_000038.6(APC):c.1672A>C (p.Asn558His)

Gene: APC (APC regulator of Wnt signaling pathway; plus strand). Cytogenetic location: 5q22.2.
Variant type: single nucleotide variant.
Coding change: c.1672A>C on transcript NM_000038.6 (MANE Select); coding-DNA position 1672, A replaced by C.
Protein change: p.Asn558His; replaces asparagine 558 with histidine.
Molecular consequence: missense variant.
Genome position (GRCh38, 1-based): chr5:112,828,901, A>C. VCF-style: chr5-112828901-A-C. GRCh37 (hg19) VCF-style: chr5-112164598-A-C.
Other names: c.823A>C, p.Asn275His (NM_001354906.2, NM_001407470.1); c.1672A>C, p.Asn558His (NM_001127510.3, NM_001354895.2, NM_001407450.1); c.1618A>C, p.Asn540His (NM_001127511.3); c.1726A>C, p.Asn576His (NM_001354896.2, NM_001407447.1, NM_001407448.1 and 1 more transcripts); c.1702A>C, p.Asn568His (NM_001354897.2); c.1597A>C, p.Asn533His (NM_001354898.2); c.1588A>C, p.Asn530His (NM_001354899.2); c.1549A>C, p.Asn517His (NM_001354900.2); and 11 more; short protein forms N174H, N499H, N540H, N586H, N429H, N467H, N475H, N517H.
Identifiers: ClinVar variation 1777714 (VCV001777714.3), dbSNP rs2149817349, ClinGen allele CA16024959.

ClinVar aggregate classification (germline): Uncertain significance (1 of 4 stars; one submission).

Conditions:
Hereditary cancer-predisposing syndrome. Also called: Neoplastic Syndromes, Hereditary; Tumor predisposition; Hereditary Cancer Syndrome; Hereditary neoplastic syndrome. Identifiers: Orphanet 140162, MedGen C0027672, MeSH D009386, MONDO:0015356.

Submission:

Ambry Genetics
Classification: Uncertain significance for Hereditary cancer-predisposing syndrome. Last evaluated: 2025-07-14. Review status: criteria provided, single submitter. Criteria: Ambry Variant Classification Scheme 2023. Collection method: clinical testing. Allele origin: germline.
Comment: The p.N558H variant (also known as c.1672A>C), located in coding exon 13 of the APC gene, results from an A to C substitution at nucleotide position 1672. The asparagine at codon 558 is replaced by histidine, an amino acid with similar properties. This amino acid position is highly conserved in available vertebrate species. In addition, in silico predictors for this gene do not accurately predict pathogenicity. Missense alterations in APC are not a common cause of disease (Spier I et al. Genet Med. 2024 Feb;26(2):100992). Based on the available evidence, the clinical significance of this variant remains unclear.